The following is an entry in ClinVar:

NM_001367823.1(ARHGEF18):c.4003G>A (p.Gly1335Arg)

Gene: ARHGEF18 (Rho/Rac guanine nucleotide exchange factor 18; plus strand). Cytogenetic location: 19p13.2.
Variant type: single nucleotide variant.
Coding change: c.4003G>A on transcript NM_001367823.1 (MANE Select); coding-DNA position 4003, G replaced by A.
Protein change: p.Gly1335Arg; replaces glycine 1335 with arginine.
Molecular consequence: missense variant.
Genome position (GRCh38, 1-based): chr19:7,470,215, G>A. VCF-style: chr19-7470215-G-A. GRCh37 (hg19) VCF-style: chr19-7535101-G-A.
Other names: c.3277G>A, p.Gly1093Arg (NM_001130955.2); c.2965G>A, p.Gly989Arg (NM_001367824.1, NM_015318.4); short protein forms G1335R, G989R, G1093R.
Identifiers: ClinVar variation 972645 (VCV000972645.9), dbSNP rs776440309, ClinGen allele CA9137337.

ClinVar aggregate classification (germline): Uncertain significance. Review status: criteria provided, multiple submitters, no conflicts (2 of 4 stars). 3 submissions from 3 submitters: Uncertain significance (3). Last evaluated 2025-08-26.

Conditions:
Inborn genetic diseases. Identifiers: MedGen C0950123, MeSH D030342.

Allele frequency attached by ClinVar (database versions not stated): TOPMed 0.00003; gnomAD exomes 0.00004 and 0.00005; ExAC 0.00005; gnomAD 0.00006 and 0.00007.
gnomAD v4.1: 88 of 1,609,544 alleles (0.0055%); highest among the groups gnomAD compares: Non-Finnish European, 0.0068%; no homozygotes.

Submissions (3):

Ambry Genetics
Classification: Uncertain significance for Inborn genetic diseases. Last evaluated: 2025-08-26. Review status: criteria provided, single submitter. Criteria: Ambry Variant Classification Scheme 2023. Collection method: clinical testing. Allele origin: germline.

Blueprint Genetics
Classification: Uncertain significance. Last evaluated: 2023-11-15. Review status: criteria provided, single submitter. Criteria: ACMG Guidelines, 2015. Collection method: clinical testing. Allele origin: germline.

Labcorp Genetics (formerly Invitae), Labcorp
Classification: Uncertain significance. Last evaluated: 2022-02-04. Review status: criteria provided, single submitter. Criteria: Invitae Variant Classification Sherloc (09022015). Collection method: clinical testing. Allele origin: germline.
Comment: This sequence change replaces glycine, which is neutral and non-polar, with arginine, which is basic and polar, at codon 1147 of the ARHGEF18 protein (p.Gly1147Arg). This variant is present in population databases (rs776440309, gnomAD 0.008%). This variant has not been reported in the literature in individuals affected with ARHGEF18-related conditions. ClinVar contains an entry for this variant (Variation ID: 972645). Algorithms developed to predict the effect of missense changes on protein structure and function (SIFT, PolyPhen-2, Align-GVGD) all suggest that this variant is likely to be tolerated. Algorithms developed to predict the effect of sequence changes on RNA splicing suggest that this variant may create or strengthen a splice site. In summary, the available evidence is currently insufficient to determine the role of this variant in disease. Therefore, it has been classified as a Variant of Uncertain Significance.